The following is an entry in ClinVar:

ClinVar aggregate classification (germline): Likely pathogenic (1 of 4 stars; one submission).

Conditions:
RECON progeroid syndrome (RECON). Identifiers: MedGen C5830504, MONDO:0957266, OMIM 620370.

Submission:

First Genomix Gene Laboratory, Genetic Diagnostics Department
Classification: Likely pathogenic for RECON progeroid syndrome. Last evaluated: 2025-03-28. Review status: criteria provided, single submitter. Criteria: ACMG Guidelines, 2015. Collection method: clinical testing. Allele origin: germline. Inheritance: Autosomal recessive inheritance. Affected: no. Observed: 1 variant allele.

NM_002907.4(RECQL):c.1241_1242del (p.Cys414fs)

Gene: RECQL (RecQ like helicase; minus strand). Cytogenetic location: 12p12.1.
Variant type: Deletion.
Coding change: c.1241_1242del on transcript NM_002907.4 (MANE Select); coding-DNA positions 1241 to 1242, 2 bases deleted (GT; older notation c.1241_1242delGT).
Protein change: p.Cys414fs; shifts the reading frame from cysteine 414.
Molecular consequence: frameshift variant.
Genome position (GRCh38, 1-based): chr12:21,474,954-21,474,955, AC deleted on the plus strand (GT on the coding strand, the reverse complement: RECQL is on the minus strand); deleting any 2 consecutive bases within chr12:21,474,954-21,474,956 gives the same sequence; the c. name uses the placement nearest the transcript's 3' end. VCF-style (leftmost placement, unchanged base first): chr12-21474953-TAC-T. GRCh37 (hg19) VCF-style: chr12-21627887-TAC-T.
Other names: c.1241_1242del, p.Cys414fs (NM_032941.3); c.1241_1242delGT (NM_002907.4); short protein forms C414fs.
Identifiers: ClinVar variation 4845850 (VCV004845850.1).